The following is an entry in ClinVar:

NM_001365536.1(SCN9A):c.3461G>T (p.Cys1154Phe)

Genes: SCN1A-AS1 (SCN1A and SCN9A antisense RNA 1; plus strand), SCN9A (sodium voltage-gated channel alpha subunit 9; minus strand). Cytogenetic location: 2q24.3.
Variant type: single nucleotide variant.
Coding change: c.3461G>T on transcript NM_001365536.1 (MANE Select); coding-DNA position 3461, G replaced by T.
Protein change: p.Cys1154Phe; replaces cysteine 1154 with phenylalanine.
Molecular consequence: missense variant.
Genome position (GRCh38, 1-based): chr2:166,251,776, C>A on the plus strand (G>T on the coding strand, the complement: SCN9A is on the minus strand). VCF-style: chr2-166251776-C-A. GRCh37 (hg19) VCF-style: chr2-167108286-C-A.
Other names: c.3428G>T, p.Cys1143Phe (NM_002977.4); short protein forms C1154F, C1143F.
Identifiers: ClinVar variation 2949362 (VCV002949362.3), dbSNP rs201193758, ClinGen allele CA1944056.

ClinVar aggregate classification (germline): Uncertain significance (1 of 4 stars; one submission).

Conditions:
Neuropathy, hereditary sensory and autonomic, type 2A (HSAN2A). Also called: ACROOSTEOLYSIS, GIACCAI TYPE; ACROOSTEOLYSIS, NEUROGENIC; MORVAN DISEASE; NEUROPATHY, CONGENITAL SENSORY; NEUROPATHY, HEREDITARY SENSORY RADICULAR, AUTOSOMAL RECESSIVE; NEUROPATHY, HEREDITARY SENSORY, TYPE IIA. Identifiers: Orphanet 970, MedGen C2752089, MONDO:0024309, OMIM 201300.
Generalized epilepsy with febrile seizures plus, type 7 (GEFSP7). Also called: GEFS+, TYPE 7. Identifiers: Orphanet 36387, MedGen C2751778, MONDO:0013470, OMIM 613863.

Allele frequency attached by ClinVar (database versions not stated): ExAC 0.00001; gnomAD exomes 0.00001; TOPMed 0.00001.
gnomAD v4.1: 15 of 1,612,442 alleles (0.00093%); highest among the groups gnomAD compares: Non-Finnish European, 0.0012%; no homozygotes.

Submission:

Labcorp Genetics (formerly Invitae), Labcorp
Classification: Uncertain significance for Neuropathy, hereditary sensory and autonomic, type 2A; Generalized epilepsy with febrile seizures plus, type 7. Last evaluated: 2025-04-14. Review status: criteria provided, single submitter. Criteria: Invitae Variant Classification Sherloc (09022015). Collection method: clinical testing. Allele origin: germline.
Comment: This sequence change replaces cysteine, which is neutral and slightly polar, with phenylalanine, which is neutral and non-polar, at codon 1143 of the SCN9A protein (p.Cys1143Phe). This variant is present in population databases (rs201193758, gnomAD 0.003%). This missense change has been observed in individual(s) with SCN9A-related conditions (PMID: 27956748). ClinVar contains an entry for this variant (Variation ID: 2949362). Invitae Evidence Modeling of protein sequence and biophysical properties (such as structural, functional, and spatial information, amino acid conservation, physicochemical variation, residue mobility, and thermodynamic stability) has been performed for this missense variant. However, the output from this modeling did not meet the statistical confidence thresholds required to predict the impact of this variant on SCN9A protein function. Experimental studies have shown that this missense change affects SCN9A function (PMID: 27956748). In summary, the available evidence is currently insufficient to determine the role of this variant in disease. Therefore, it has been classified as a Variant of Uncertain Significance.

Literature cited by the submitters: PubMed 27956748.